The following is an entry in ClinVar:

NM_000051.4(ATM):c.7315G>C (p.Val2439Leu)

Genes: ATM (ATM serine/threonine kinase; plus strand), C11orf65 (chromosome 11 open reading frame 65; minus strand). Cytogenetic location: 11q22.3.
Variant type: single nucleotide variant.
Coding change: c.7315G>C on transcript NM_000051.4 (MANE Select); coding-DNA position 7315, G replaced by C.
Protein change: p.Val2439Leu; replaces valine 2439 with leucine.
Molecular consequence: missense variant. On other transcripts: intron variant (2).
Genome position (GRCh38, 1-based): chr11:108,330,221, G>C. VCF-style: chr11-108330221-G-C. GRCh37 (hg19) VCF-style: chr11-108200948-G-C.
Other names: c.7315G>C, p.Val2439Leu (NM_001351834.2); c.641-21150C>G (NM_001330368.2); c.*38+4999C>G (NM_001351110.2); short protein forms V2439L.
Identifiers: ClinVar variation 643123 (VCV000643123.10), dbSNP rs1591159702, ClinGen allele CA382559874.

ClinVar aggregate classification (germline): Uncertain significance. Review status: criteria provided, multiple submitters, no conflicts (2 of 4 stars). 2 submissions from 2 submitters: Uncertain significance (2). Last evaluated 2025-06-19.

Conditions:
Hereditary cancer-predisposing syndrome. Also called: Tumor predisposition; Hereditary neoplastic syndrome; Neoplastic Syndromes, Hereditary; Hereditary Cancer Syndrome. Identifiers: Orphanet 140162, MedGen C0027672, MeSH D009386, MONDO:0015356.
Ataxia-telangiectasia syndrome (AT). Also called: Ataxia-telangiectasia, complementation group D; AT, COMPLEMENTATION GROUP C; ATAXIA-TELANGIECTASIA, COMPLEMENTATION GROUP A; ATAXIA-TELANGIECTASIA, FRESNO VARIANT; Ataxia-telangiectasia; LOUIS-BAR SYNDROME. Identifiers: Orphanet 100, MedGen C0004135, MONDO:0008840, OMIM 208900.

Submissions (2):

Ambry Genetics
Classification: Uncertain significance for Hereditary cancer-predisposing syndrome. Last evaluated: 2025-06-19. Review status: criteria provided, single submitter. Criteria: Ambry Variant Classification Scheme 2023. Collection method: clinical testing. Allele origin: germline.
Comment: The p.V2439L variant (also known as c.7315G>C), located in coding exon 49 of the ATM gene, results from a G to C substitution at nucleotide position 7315. The valine at codon 2439 is replaced by leucine, an amino acid with highly similar properties. This amino acid position is not well conserved in available vertebrate species. In addition, this alteration is predicted to be tolerated by in silico analysis. Based on the available evidence, the clinical significance of this variant remains unclear.

Labcorp Genetics (formerly Invitae), Labcorp
Classification: Uncertain significance for Ataxia-telangiectasia syndrome. Last evaluated: 2018-12-03. Review status: criteria provided, single submitter. Criteria: Invitae Variant Classification Sherloc (09022015). Collection method: clinical testing. Allele origin: germline.
Comment: This sequence change replaces valine with leucine at codon 2439 of the ATM protein (p.Val2439Leu). The valine residue is moderately conserved and there is a small physicochemical difference between valine and leucine. This variant is not present in population databases (ExAC no frequency). This variant has not been reported in the literature in individuals with ATM-related conditions. Algorithms developed to predict the effect of missense changes on protein structure and function (SIFT, PolyPhen-2, Align-GVGD) all suggest that this variant is likely to be tolerated, but these predictions have not been confirmed by published functional studies and their clinical significance is uncertain. In summary, the available evidence is currently insufficient to determine the role of this variant in disease. Therefore, it has been classified as a Variant of Uncertain Significance.